The following is an entry in ClinVar:

ClinVar aggregate classification (germline): Benign. Review status: criteria provided, multiple submitters, no conflicts (2 of 4 stars). 4 submissions from 4 submitters: Benign (4). Last evaluated 2022-08-12.

Conditions:
Focal segmental glomerulosclerosis 2 (FSGS2). Identifiers: Orphanet 656, MedGen C1858915, MONDO:0011390, OMIM 603965.
Atypical hemolytic-uremic syndrome. Identifiers: Orphanet 2134, MedGen C2931788, MONDO:0016244.

Allele frequency attached by ClinVar (database versions not stated): gnomAD 0.08690 and 0.09802; TOPMed 0.09962; gnomAD exomes 0.11953; 1000 Genomes Project 30x 0.19160; 1000 Genomes Project 0.19708.
gnomAD v4.1: 43,688 of 394,526 alleles (11%); highest among the groups gnomAD compares: East Asian, 43%; 4,279 homozygotes.

Submissions (4):

Genome Diagnostics Laboratory, The Hospital for Sick Children
Classification: Benign for Atypical hemolytic-uremic syndrome. Last evaluated: 2022-08-12. Review status: criteria provided, single submitter. Criteria: ACMG Guidelines, 2015. Collection method: clinical testing. Allele origin: germline.

GeneDx
Classification: Benign. Last evaluated: 2018-11-12. Review status: criteria provided, single submitter. Criteria: GeneDx Variant Classification Process June 2021. Collection method: clinical testing. Allele origin: germline. Affected: yes.
Comment: This variant is associated with the following publications: (PMID: 31281825, 19380626, 23999069, 25603901)

Illumina Laboratory Services, Illumina
Classification: Benign for Focal segmental glomerulosclerosis 2. Last evaluated: 2017-04-27. Review status: criteria provided, single submitter. Criteria: ICSL Variant Classification Criteria 13 December 2019. Collection method: clinical testing. Allele origin: germline.
Comment: This variant was observed as part of a predisposition screen in an ostensibly healthy population. A literature search was performed for the gene, cDNA change, and amino acid change (where applicable). Publications were found based on this search. The evidence from the literature, in combination with allele frequency data from public databases where available, was sufficient to rule this variant out of causing disease. Therefore, this variant is classified as benign.

Breakthrough Genomics
Classification: Benign. Review status: criteria provided, single submitter. Criteria: ACMG Guidelines, 2015. Collection method: not provided. Allele origin: germline. Inheritance: Autosomal dominant inheritance. Affected: yes.

Literature cited by the submitters: PubMed 19380626 (cited by Illumina Laboratory Services, Illumina).

NM_004621.6(TRPC6):c.-254C>G

Gene: TRPC6 (transient receptor potential cation channel subfamily C member 6; minus strand). Cytogenetic location: 11q22.1.
Variant type: single nucleotide variant.
Coding change: c.-254C>G on transcript NM_004621.6 (MANE Select); 254 bases upstream of the start codon, C replaced by G.
Molecular consequence: 5 prime UTR variant.
Genome position (GRCh38, 1-based): chr11:101,583,757, G>C on the plus strand (C>G on the coding strand, the complement: TRPC6 is on the minus strand). VCF-style: chr11-101583757-G-C. GRCh37 (hg19) VCF-style: chr11-101454488-G-C.
Identifiers: ClinVar variation 301920 (VCV000301920.10), dbSNP rs3824934, ClinGen allele CA10629689.